The following is an entry in ClinVar:

ClinVar aggregate classification (germline): Uncertain significance. Review status: criteria provided, multiple submitters, no conflicts (2 of 4 stars). 2 submissions from 2 submitters: Uncertain significance (2). Last evaluated 2026-07-09.

Conditions:
Heterotopia, periventricular, X-linked dominant (PVNH1). Also called: PERIVENTRICULAR NODULAR HETEROTOPIA 1; X-linked periventricular heterotopia; PERIVENTRICULAR NODULAR HETEROTOPIA 4; HETEROTOPIA, PERIVENTRICULAR, 1. Identifiers: Orphanet 2149, Orphanet 82004, MedGen C1848213, MONDO:0010233, OMIM 300049.
Oto-palato-digital syndrome, type II (OPD2). Also called: Otopalatodigital Syndrome, Type II; Otopalatodigital Syndrome Type 2 (FLNA-OPD2); FACIOPALATOOSSEOUS SYNDROME; OPD II SYNDROME. Identifiers: Orphanet 669, Orphanet 90652, MedGen C1844696, MONDO:0010571, OMIM 304120.
Frontometaphyseal dysplasia (FMD1). Identifiers: Orphanet 1826, MedGen C0265293, MONDO:0015942.
Melnick-Needles syndrome (MNS). Also called: Melnick-Needles Syndrome (FLNA-MNS); MELNICK-NEEDLES OSTEODYSPLASTY; OSTEODYSPLASTY OF MELNICK AND NEEDLES. Identifiers: Orphanet 2484, MedGen C0025237, MONDO:0010650, OMIM 309350.
Familial thoracic aortic aneurysm and aortic dissection (TAAD). Also called: Thoracic aortic aneurysms and dissections. Identifiers: Orphanet 91387, MedGen C4707243, MONDO:0019625.

Allele frequency attached by ClinVar (database versions not stated): ExAC 0.00001; gnomAD 0.00001; gnomAD exomes below 0.00001; TOPMed 0.00001.
gnomAD v4.1: 8 of 1,208,373 alleles (0.00066%); highest among the groups gnomAD compares: Non-Finnish European, 0.00067%; no homozygotes.

Submissions (2):

Ambry Genetics
Classification: Uncertain significance for Familial thoracic aortic aneurysm and aortic dissection. Last evaluated: 2026-07-09. Review status: criteria provided, single submitter. Criteria: Ambry Variant Classification Scheme 2023. Collection method: clinical testing. Allele origin: germline.
Comment: The p.H1217R variant (also known as c.3650A>G), located in coding exon 21 of the FLNA gene, results from an A to G substitution at nucleotide position 3650. The histidine at codon 1217 is replaced by arginine, an amino acid with highly similar properties. This amino acid position is conserved. In addition, this alteration is predicted to be tolerated by in silico analysis. Based on the available evidence, the clinical significance of this variant remains unclear.

Labcorp Genetics (formerly Invitae), Labcorp
Classification: Uncertain significance for Oto-palato-digital syndrome, type II; Heterotopia, periventricular, X-linked dominant; Frontometaphyseal dysplasia; Melnick-Needles syndrome. Last evaluated: 2021-09-06. Review status: criteria provided, single submitter. Criteria: Invitae Variant Classification Sherloc (09022015). Collection method: clinical testing. Allele origin: germline.
Comment: This sequence change replaces histidine with arginine at codon 1217 of the FLNA protein (p.His1217Arg). The histidine residue is moderately conserved and there is a small physicochemical difference between histidine and arginine. This variant is present in population databases (rs782148392, ExAC 0.002%). This variant has not been reported in the literature in individuals affected with FLNA-related conditions. Advanced modeling of protein sequence and biophysical properties (such as structural, functional, and spatial information, amino acid conservation, physicochemical variation, residue mobility, and thermodynamic stability) performed at Invitae indicates that this missense variant is not expected to disrupt FLNA protein function. In summary, the available evidence is currently insufficient to determine the role of this variant in disease. Therefore, it has been classified as a Variant of Uncertain Significance.

NM_001110556.2(FLNA):c.3650A>G (p.His1217Arg)

Gene: FLNA (filamin A; minus strand). Cytogenetic location: Xq28.
Variant type: single nucleotide variant.
Coding change: c.3650A>G on transcript NM_001110556.2 (MANE Select); coding-DNA position 3650, A replaced by G.
Protein change: p.His1217Arg; replaces histidine 1217 with arginine.
Molecular consequence: missense variant.
Genome position (GRCh38, 1-based): chrX:154,360,145, T>C on the plus strand (A>G on the coding strand, the complement: FLNA is on the minus strand). VCF-style: chrX-154360145-T-C. GRCh37 (hg19) VCF-style: chrX-153588513-T-C.
Other names: c.3650A>G, p.His1217Arg (NM_001456.4); c.3650A>G (NM_001456.3); short protein forms H1217R.
Identifiers: ClinVar variation 1379903 (VCV001379903.7), dbSNP rs782148392, ClinGen allele CA10560676.